The following is an entry in ClinVar:

NM_000312.4(PROC):c.112C>T (p.Arg38Trp)

Gene: PROC (protein C, inactivator of coagulation factors Va and VIIIa; plus strand). Cytogenetic location: 2q14.3.
Variant type: single nucleotide variant.
Coding change: c.112C>T on transcript NM_000312.4 (MANE Select); coding-DNA position 112, C replaced by T.
Protein change: p.Arg38Trp; replaces arginine 38 with tryptophan.
Molecular consequence: missense variant.
Genome position (GRCh38, 1-based): chr2:127,421,324, C>T. VCF-style: chr2-127421324-C-T. GRCh37 (hg19) VCF-style: chr2-128178900-C-T.
Other names: c.295C>T, p.Arg99Trp (NM_001375602.1); c.175C>T, p.Arg59Trp (NM_001375603.1, NM_001375604.1, NM_001375606.1); c.112C>T, p.Arg38Trp (NM_001375605.1, NM_001375608.1, NM_001375611.1 and 1 more transcripts); c.196C>T, p.Arg66Trp (NM_001375607.1); c.88C>T, p.Arg30Trp (NM_001375609.1); c.106C>T, p.Arg36Trp (NM_001375610.1); short protein forms R30W, R36W, R38W, R59W, R66W, R99W.
Identifiers: ClinVar variation 1298823 (VCV001298823.39), dbSNP rs769900251, ClinGen allele CA1859241.

ClinVar aggregate classification (germline): Uncertain significance. Review status: criteria provided, multiple submitters, no conflicts (2 of 4 stars). 2 submissions from 2 submitters: Uncertain significance (2). Last evaluated 2025-07-17.

Conditions:
Thrombophilia due to protein C deficiency, autosomal dominant. Also called: PROC DEFICIENCY, AUTOSOMAL DOMINANT; PROTEIN C DEFICIENCY, AUTOSOMAL DOMINANT. Identifiers: Orphanet 745, MedGen C2674321, MONDO:0008316, OMIM 176860. Disease mechanism: loss of function.

Allele frequency attached by ClinVar (database versions not stated): gnomAD exomes 0.00002; gnomAD 0.00003 and 0.00004; TOPMed 0.00003; ExAC 0.00006.

Submissions (2):

Labcorp Genetics (formerly Invitae), Labcorp
Classification: Uncertain significance for Thrombophilia due to protein C deficiency, autosomal dominant. Last evaluated: 2025-07-17. Review status: criteria provided, single submitter. Criteria: Invitae Variant Classification Sherloc (09022015). Collection method: clinical testing. Allele origin: germline.
Comment: This sequence change replaces arginine, which is basic and polar, with tryptophan, which is neutral and slightly polar, at codon 38 of the PROC protein (p.Arg38Trp). This variant is present in population databases (rs769900251, gnomAD 0.004%). This missense change has been observed in individual(s) with clinical features of protein C deficiency (PMID: 8324221, 22353194). ClinVar contains an entry for this variant (Variation ID: 1298823). An algorithm developed to predict the effect of missense changes on protein structure and function (PolyPhen-2) suggests that this variant is likely to be disruptive. Experimental studies have shown that this missense change affects PROC function (PMID: 37393002). In summary, the available evidence is currently insufficient to determine the role of this variant in disease. Therefore, it has been classified as a Variant of Uncertain Significance.

CeGaT Center for Human Genetics Tuebingen
Classification: Uncertain significance. Last evaluated: 2021-08-01. Review status: criteria provided, single submitter. Criteria: CeGaT Center For Human Genetics Tuebingen Variant Classification Criteria Version 2. Collection method: clinical testing. Allele origin: germline. Affected: yes. Observed: 1 variant allele.

Literature cited by the submitters: PubMed 8324221 (cited by Labcorp Genetics (formerly Invitae), Labcorp); PubMed 22353194 (cited by Labcorp Genetics (formerly Invitae), Labcorp); PubMed 37393002 (cited by Labcorp Genetics (formerly Invitae), Labcorp).